The following is an entry in ClinVar:

ClinVar aggregate classification (germline): Likely benign. Review status: criteria provided, multiple submitters, no conflicts (2 of 4 stars). 6 submissions from 6 submitters: Likely benign (3). 3 of the submissions do not count toward it. Last evaluated 2025-04-14.

Conditions:
C1R-related disorder. Also called: C1R-related condition.

Allele frequency attached by ClinVar (database versions not stated): 1000 Genomes Project 0.00140; 1000 Genomes Project 30x 0.00156; ESP Exome Variant Server 0.00200.

Submissions (6):

Women's Health and Genetics/Laboratory Corporation of America, LabCorp
Classification: Likely benign. Last evaluated: 2025-04-14. Review status: criteria provided, single submitter. Criteria: LabCorp Variant Classification Summary - May 2015. Collection method: clinical testing. Allele origin: germline.

CeGaT Center for Human Genetics Tuebingen
Classification: Likely benign. Last evaluated: 2022-08-01. Review status: criteria provided, single submitter. Criteria: CeGaT Center For Human Genetics Tuebingen Variant Classification Criteria Version 2. Collection method: clinical testing. Allele origin: germline. Affected: yes. Observed: 1 variant allele.
Comment: C1R: BP4

Breakthrough Genomics
Classification: Likely benign. Review status: criteria provided, single submitter. Criteria: ACMG Guidelines, 2015. Collection method: not provided. Allele origin: germline. Inheritance: Autosomal dominant inheritance. Affected: yes.

PreventionGenetics, part of Exact Sciences
Classification: Likely benign for C1R-related condition. Last evaluated: 2020-03-19. Review status: no assertion criteria provided. Collection method: clinical testing. Allele origin: germline. Not counted in ClinVar's aggregate classification.
Comment: This variant is classified as likely benign based on ACMG/AMP sequence variant interpretation guidelines (Richards et al. 2015 PMID: 25741868, with internal and published modifications).

Clinical Genetics DNA and cytogenetics Diagnostics Lab, Erasmus MC, Erasmus Medical Center
Classification: Likely benign. Review status: no assertion criteria provided. Collection method: clinical testing. Allele origin: germline. Affected: yes. Study: VKGL Data-share Consensus. Not counted in ClinVar's aggregate classification.

Genome Diagnostics Laboratory, University Medical Center Utrecht
Classification: Likely benign. Review status: no assertion criteria provided. Collection method: clinical testing. Allele origin: germline. Affected: yes. Study: VKGL Data-share Consensus. Not counted in ClinVar's aggregate classification.

NM_001733.7(C1R):c.647C>G (p.Pro216Arg)

Gene: C1R (complement C1r; minus strand). Cytogenetic location: 12p13.31.
Variant type: single nucleotide variant.
Coding change: c.647C>G on transcript NM_001733.7 (MANE Select); coding-DNA position 647, C replaced by G.
Protein change: p.Pro216Arg; replaces proline 216 with arginine.
Molecular consequence: missense variant.
Genome position (GRCh38, 1-based): chr12:7,089,414, G>C on the plus strand (C>G on the coding strand, the complement: C1R is on the minus strand). VCF-style: chr12-7089414-G-C. GRCh37 (hg19) VCF-style: chr12-7242010-G-C.
Other names: c.647C>G (NM_001733.4); c.689C>G, p.Pro230Arg (NM_001354346.2); short protein forms P216R, P230R.
Identifiers: ClinVar variation 1285037 (VCV001285037.30), dbSNP rs189155429, ClinGen allele CA6424168.